The following is an entry in ClinVar:

NM_022726.4(ELOVL4):c.134C>G (p.Ser45Cys)

Gene: ELOVL4 (ELOVL fatty acid elongase 4; minus strand). Cytogenetic location: 6q14.1.
Variant type: single nucleotide variant.
Coding change: c.134C>G on transcript NM_022726.4 (MANE Select); coding-DNA position 134, C replaced by G.
Protein change: p.Ser45Cys; replaces serine 45 with cysteine.
Molecular consequence: missense variant.
Genome position (GRCh38, 1-based): chr6:79,926,348, G>C on the plus strand (C>G on the coding strand, the complement: ELOVL4 is on the minus strand). VCF-style: chr6-79926348-G-C. GRCh37 (hg19) VCF-style: chr6-80636065-G-C.
Other names: short protein forms S45C.
Identifiers: ClinVar variation 1212717 (VCV001212717.11), dbSNP rs1488892121, ClinGen allele CA364657596.
Genomic context (GRCh38, chr6:79,926,348, plus strand): 5'-TTTGGACCCAGCCACACAAACAGGAGATAAAGAGTGCTTATACTTAGTGTAGGCCAAGGA[G>C]ACTGCATCAGAGGCCAATTTTCCACACGCTTATCTATAGAGAGAACAAAATACCATAAAA-3'
Protein context (NP_073563.1, residues 35-55): KRVENWPLMQ[Ser45Cys]PWPTLSISTL

ClinVar aggregate classification (germline): Uncertain significance. Review status: criteria provided, multiple submitters, no conflicts (2 of 4 stars). 3 submissions from 3 submitters: Uncertain significance (3). Last evaluated 2024-11-20.

Conditions:
Spinocerebellar ataxia type 34 (SCA34). Identifiers: Orphanet 1955, MedGen C1851481, MONDO:0007574, OMIM 133190.
Stargardt disease (FFM). Also called: Stargardt's disease; Fundus flavimaculatus. Identifiers: Orphanet 827, MedGen C0271093, MONDO:0019353.
Ichthyosis, spastic quadriplegia, and impaired intellectual development. Also called: Congenital ichthyosis-intellectual disability-spastic quadriplegia syndrome. Identifiers: Orphanet 352333, MedGen C3280856, MONDO:0013760, OMIM 614457.

Allele frequency attached by ClinVar (database versions not stated): gnomAD 0.00001; TOPMed below 0.00001; gnomAD exomes below 0.00001.
gnomAD v4.1: 3 of 1,613,852 alleles (0.00019%); highest among the groups gnomAD compares: African/African-American, 0.0013%; no homozygotes.

Submissions (3):

Blueprint Genetics
Classification: Uncertain significance. Last evaluated: 2024-11-20. Review status: criteria provided, single submitter. Criteria: ACMG Guidelines, 2015. Collection method: clinical testing. Allele origin: germline.

Labcorp Genetics (formerly Invitae), Labcorp
Classification: Uncertain significance. Last evaluated: 2021-10-27. Review status: criteria provided, single submitter. Criteria: Invitae Variant Classification Sherloc (09022015). Collection method: clinical testing. Allele origin: germline.
Comment: In summary, the available evidence is currently insufficient to determine the role of this variant in disease. Therefore, it has been classified as a Variant of Uncertain Significance. Algorithms developed to predict the effect of missense changes on protein structure and function are either unavailable or do not agree on the potential impact of this missense change (SIFT: "Tolerated"; PolyPhen-2: "Possibly Damaging"; Align-GVGD: "Class C15"). This variant has not been reported in the literature in individuals affected with ELOVL4-related conditions. This variant is present in population databases (no rsID available, gnomAD 0.0009%). This sequence change replaces serine, a(n) neutral and polar amino acid, with cysteine, a(n) neutral and slightly polar amino acid, at codon 45 of the ELOVL4 protein (p.Ser45Cys).

GeneDx
Classification: Uncertain significance. Last evaluated: 2019-05-23. Review status: criteria provided, single submitter. Criteria: GeneDx Variant Classification Process June 2021. Collection method: clinical testing. Allele origin: germline. Affected: yes.
Comment: Not observed at a significant frequency in large population cohorts (Lek et al., 2016); In silico analysis, which includes protein predictors and evolutionary conservation, supports a deleterious effect; Has not been previously published as pathogenic or benign to our knowledge